The following is an entry in ClinVar:

ClinVar aggregate classification (germline): Pathogenic (1 of 4 stars; one submission).

Conditions:
Trichorhinophalangeal syndrome, type III (TRPS3). Also called: SUGIO-KAJII SYNDROME. Identifiers: Orphanet 77258, MedGen C1860823, OMIM 190351, MONDO:0008597.
Trichorhinophalangeal dysplasia type I (TRPS1). Also called: TRPS I; TRICHORHINOPHALANGEAL SYNDROME, TYPE I. Identifiers: Orphanet 77258, MedGen C0432233, MONDO:0008596, OMIM 190350.

Submission:

Labcorp Genetics (formerly Invitae), Labcorp
Classification: Pathogenic for Trichorhinophalangeal syndrome, type III; Trichorhinophalangeal dysplasia type I. Last evaluated: 2021-12-19. Review status: criteria provided, single submitter. Criteria: Invitae Variant Classification Sherloc (09022015). Collection method: clinical testing. Allele origin: germline.
Comment: For these reasons, this variant has been classified as Pathogenic. This variant has not been reported in the literature in individuals affected with TRPS1-related conditions. This variant is not present in population databases (gnomAD no frequency). This sequence change creates a premature translational stop signal (p.Asn845Metfs*69) in the TRPS1 gene. It is expected to result in an absent or disrupted protein product. Loss-of-function variants in TRPS1 are known to be pathogenic (PMID: 11112658).

Literature cited by the submitters: PubMed 11112658.

NM_014112.5(TRPS1):c.2532del (p.Asn845fs)

Gene: TRPS1 (transcriptional repressor GATA binding 1; minus strand). Cytogenetic location: 8q23.3.
Variant type: Deletion.
Coding change: c.2532del on transcript NM_014112.5 (MANE Select); coding-DNA position 2532, one base deleted (C; older notation c.2532delC).
Protein change: p.Asn845fs; shifts the reading frame from asparagine 845.
Molecular consequence: frameshift variant.
Genome position (GRCh38, 1-based): chr8:115,587,169, G deleted on the plus strand (C on the coding strand, the reverse complement: TRPS1 is on the minus strand); the first of 3 consecutive G bases (chr8:115,587,169-115,587,171); deleting any one gives the same sequence. VCF-style (leftmost placement, unchanged base first): chr8-115587168-TG-T. GRCh37 (hg19) VCF-style: chr8-116599395-TG-T.
Other names: c.2505del, p.Asn836fs (NM_001282902.3); c.2511del, p.Asn838fs (NM_001282903.3); c.2493del, p.Asn832fs (NM_001330599.2); short protein forms N845fs, N832fs, N836fs, N838fs.
Identifiers: ClinVar variation 2047796 (VCV002047796.4), dbSNP rs2536860822, ClinGen allele CA2580078528.
Genomic context (GRCh38, chr8:115,587,168, plus strand): 5'-ATCCCTTGGTTTCCACAGCCAAGCCATAAATAGGTCGCGCCAGATGGGCGGCCTCCACAT[TG>T]GGACTATCCCTTAGAGTCTTTGTCTGCTCTTGGGTGCCAGACACAGGCGTCAGCAGCCCC-3'